The following is an entry in ClinVar:

ClinVar aggregate classification (germline): Uncertain significance (1 of 4 stars; one submission).

Allele frequency attached by ClinVar (database versions not stated): gnomAD exomes below 0.00001; TOPMed below 0.00001.
gnomAD v4.1: 6 of 1,603,344 alleles (0.00037%); highest among the groups gnomAD compares: African/African-American, 0.0027%; no homozygotes.

Submission:

Labcorp Genetics (formerly Invitae), Labcorp
Classification: Uncertain significance. Last evaluated: 2022-11-03. Review status: criteria provided, single submitter. Criteria: Invitae Variant Classification Sherloc (09022015). Collection method: clinical testing. Allele origin: germline.
Comment: In summary, the available evidence is currently insufficient to determine the role of this variant in disease. Therefore, it has been classified as a Variant of Uncertain Significance. Variants that disrupt the consensus splice site are a relatively common cause of aberrant splicing (PMID: 17576681, 9536098). Algorithms developed to predict the effect of sequence changes on RNA splicing suggest that this variant may create or strengthen a splice site. This variant has not been reported in the literature in individuals affected with CNOT1-related conditions. This variant is present in population databases (no rsID available, gnomAD 0.007%). This sequence change falls in intron 11 of the CNOT1 gene. It does not directly change the encoded amino acid sequence of the CNOT1 protein. It affects a nucleotide within the consensus splice site.

Literature cited by the submitters: PubMed 17576681; PubMed 9536098.

NM_016284.5(CNOT1):c.1215+5G>A

Gene: CNOT1 (CCR4-NOT transcription complex subunit 1; minus strand). Cytogenetic location: 16q21.
Variant type: single nucleotide variant.
Coding change: c.1215+5G>A on transcript NM_016284.5 (MANE Select); 5 bases into the intron after coding-DNA position 1215, G replaced by A.
Molecular consequence: intron variant.
Genome position (GRCh38, 1-based): chr16:58,581,340, C>T on the plus strand (G>A on the coding strand, the complement: CNOT1 is on the minus strand). VCF-style: chr16-58581340-C-T. GRCh37 (hg19) VCF-style: chr16-58615244-C-T.
Other names: c.1215+5G>A (NM_001265612.2, NM_206999.3).
Identifiers: ClinVar variation 2803070 (VCV002803070.3), dbSNP rs1279417136, ClinGen allele CA623114830.